The following continues an entry in ClinVar:

NM_000136.3(FANCC):c.456+4A>T

Gene: FANCC. ClinVar aggregate classification (germline): Pathogenic. Pathogenic (24).

Submissions 26 to 29 of 29:

Reproductive Health Research and Development, BGI Genomics
Classification: Pathogenic for Fanconi anemia. Last evaluated: 2020-01-06. Review status: no assertion criteria provided. Collection method: curation. Allele origin: germline. Not counted in ClinVar's aggregate classification.
Comment: NG_011707.1(NM_000136.2):c.456+4A>T is also known as IVS4+4A>T in literatures. It has an allele frequency of 0.006 in Ashkenazi Jewish subpopulation in the gnomAD database. Whitney et al reported that this variant resulted exon skipping due to abnormal gene splicing (PMID: 8348157). FANCC c.456+4A>T has been published in both the compound heterozygous and homozygous state in individuals with Fanconi Anemia (PMID: 8348157). It is also determined as a pathogenic founder variant in the Ashkenazi Jewish population(PMID: 7492758). Taken together, we interprete this variant as Pathogenic/Likely pathogenic. ACMG/AMP Criteria applied: PS3; PM3_Strong; PP4.

OMIM
Classification: Pathogenic for FANCONI ANEMIA, COMPLEMENTATION GROUP C. Last evaluated: 2001-06-27. Review status: no assertion criteria provided. Collection method: literature only. Allele origin: germline. Not counted in ClinVar's aggregate classification.

Department of Pathology and Laboratory Medicine, Sinai Health System
Classification: Pathogenic for Malignant tumor of breast. Review status: no assertion criteria provided. Collection method: clinical testing. Allele origin: unknown. Affected: yes. Study: The Canadian Open Genetics Repository (COGR). Not counted in ClinVar's aggregate classification.
Comment: The FANCC c.456+4A>T variant was identified in 19 of 116 proband chromosomes (frequency: 0.16) from individuals or families with Fanconi Anemia (Whitney 1993, Futaki 2000). The variant was also identified in dbSNP (ID: rs104886456) as â€šÃ„ÃºWith Pathogenic alleleâ€šÃ„Ã¹, ClinVar and Clinvitae (8x classified as pathogenic by GeneDx, EGL Genetic Diagnostics, Invitae, Children's Mercy Hospital, Ambry Genetics, Counsyl, OMIM, Gene Reviews), and LOVD 3.0 (83 entries). The variant was not identified in the COSMIC or MutDB databases. The variant was identified in control databases in 73 of 276626 chromosomes at a frequency of 0.0003, increasing the likelihood this could be a low frequency variant in certain populations of origin (Genome Aggregation Database Feb 27, 2017). It was observed in the following populations: Other in 2 of 6450 chromosomes (freq: 0.0003), Latino in 1 of 34376 chromosomes (freq: 0.00003), European Non-Finnish in 9 of 126366 chromosomes (freq: 0.00007), and Ashkenazi Jewish in 61 of 10140 chromosomes (freq: 0.006), while the variant was not observed in the African, East Asian, European Finnish, or South Asian populations. In a study of carrier status of the American Ashkenazi Jewish population, 35 of 6208 chromosomes (freq. 0.006) were positive for this variant, which was not found in any of 1126 control chromosomes from the Iraqi Sephardic Jewish population. This variant is described as a founder mutation in the Ashkenazi Jewish population with a severe phenotype in Ashkenazi Jewish Fanconi Anemia (FA) patients, but a milder phenotype in Japanese FA patients, suggesting the presence of unidentified modifying factors (de Vries 2012, Futaki 2000). The pathogenic effect of this variant in FA is well described in the literature; however its role in cancer risk is less clear. An Israeli study of asymptomatic heterozygous carriers of this variant failed to demonstrate an increased risk of cancer; however the number of patients studied was relatively small and the average age was low at 31 years old (Laitman 2015). The c.456+4A>T variant is located in the 5' splice region but does not affect the invariant +1 and +2 positions. However, positions +3 to +6 are part of the splicing consensus sequence and variants involving these positions sometimes affect splicing. 3 out of 4 in silico or computational prediction software programs (SpliceSiteFinder, MaxEntScan, NNSPLICE, GeneSplicer) predict a greater than 10% difference in splicing. This variant has been shown to result in the skipping of exon 5 (Whitney 1993). In summary, based on the above information, this variant meets our laboratoryâ€šÃ„Ã´s criteria to be classified as pathogenic.

GeneReviews
No classification provided. Condition: Fanconi anemia complementation group C. Review status: no classification provided. Collection method: literature only. Allele origin: germline. Not counted in ClinVar's aggregate classification.
Comment: Common in Ashkenazi Jewish; also reported in a Japanese cohort

Literature cited by the submitters: PubMed 8081385 (cited by 4 submitters); PubMed 8128956 (cited by Ambry Genetics and Quest Diagnostics Nichols Institute San Juan Capistrano); PubMed 8348157 (cited by 9 submitters); PubMed 8639804 (cited by 3 submitters); PubMed 10666230 (cited by 6 submitters); PubMed 15516848 (cited by Ambry Genetics); PubMed 23613520 (cited by 3 submitters); PubMed 26681312 (cited by Ambry Genetics and Quest Diagnostics Nichols Institute San Juan Capistrano); PubMed 28425259 (cited by 4 submitters); PubMed 17576681 (cited by Labcorp Genetics (formerly Invitae), Labcorp); PubMed 9536098 (cited by Labcorp Genetics (formerly Invitae), Labcorp); PubMed 28717661 (cited by Dasa); PubMed 31513304 (cited by Dasa); PubMed 15364573 (cited by 4 submitters); PubMed 33224012 (cited by Natera, Inc.); PubMed 16084127 (cited by Natera, Inc.); PubMed 20301575 (cited by New York Genome Center and GeneReviews); PubMed 7492758 (cited by 5 submitters); PubMed 26778106 (cited by Quest Diagnostics Nichols Institute San Juan Capistrano); PubMed 22701786 (cited by Quest Diagnostics Nichols Institute San Juan Capistrano); PubMed 11427142 (cited by 3 submitters); PubMed 9207444 (cited by Quest Diagnostics Nichols Institute San Juan Capistrano and Myriad Genetics, Inc.); PubMed 34308366 (cited by Quest Diagnostics Nichols Institute San Juan Capistrano); PubMed 32235514 (cited by Quest Diagnostics Nichols Institute San Juan Capistrano); PubMed 32885271 (cited by Quest Diagnostics Nichols Institute San Juan Capistrano); PubMed 32570879 (cited by Quest Diagnostics Nichols Institute San Juan Capistrano); PubMed 31558676 (cited by Quest Diagnostics Nichols Institute San Juan Capistrano); PubMed 30676620 (cited by Quest Diagnostics Nichols Institute San Juan Capistrano); PubMed 30322717 (cited by Quest Diagnostics Nichols Institute San Juan Capistrano); PubMed 8734810 (cited by Quest Diagnostics Nichols Institute San Juan Capistrano); PubMed 28873162 (cited by Department of Pediatrics, Memorial Sloan Kettering Cancer Center); PubMed 19622403 (cited by Illumina Laboratory Services, Illumina); PubMed 08348157 (cited by Leiden Open Variation Database); NCBI Bookshelf NBK1401 (cited by GeneReviews).